The following is an entry in ClinVar:

ClinVar aggregate classification (germline): Uncertain significance (1 of 4 stars; one submission).

Conditions:
Inborn genetic diseases. Identifiers: MedGen C0950123, MeSH D030342.

Submission:

Ambry Genetics
Classification: Uncertain significance for Inborn genetic diseases. Last evaluated: 2026-03-12. Review status: criteria provided, single submitter. Criteria: Ambry Variant Classification Scheme 2023. Collection method: clinical testing. Allele origin: germline.
Comment: The p.A385V variant (also known as c.1154C>T), located in coding exon 9 of the KDM1A gene, results from a C to T substitution at nucleotide position 1154. The alanine at codon 385 is replaced by valine, an amino acid with similar properties. This amino acid position is conserved. In addition, this alteration is predicted to be deleterious by in silico analysis. Based on the available evidence, the clinical significance of this variant remains unclear.

NM_001009999.3(KDM1A):c.1154C>T (p.Ala385Val)

Gene: KDM1A (lysine demethylase 1A; plus strand). Cytogenetic location: 1p36.12.
Variant type: single nucleotide variant.
Coding change: c.1154C>T on transcript NM_001009999.3 (MANE Select); coding-DNA position 1154, C replaced by T.
Protein change: p.Ala385Val; replaces alanine 385 with valine.
Molecular consequence: missense variant.
Genome position (GRCh38, 1-based): chr1:23,059,154, C>T. VCF-style: chr1-23059154-C-T. GRCh37 (hg19) VCF-style: chr1-23385647-C-T.
Other names: c.1094C>T, p.Ala365Val (NM_001363654.2, NM_001410763.1, NM_015013.4); c.1154C>T, p.Ala385Val (NM_001410762.1); short protein forms A365V, A385V.
Identifiers: ClinVar variation 4826124 (VCV004826124.1).